The following is an entry in ClinVar:

ClinVar aggregate classification (germline): Conflicting classifications of pathogenicity. Review status: criteria provided, conflicting classifications (1 of 4 stars). 4 submissions from 4 submitters: Uncertain significance (3); Likely benign (1). Last evaluated 2026-01-28.

Conditions:
Hereditary cancer-predisposing syndrome. Also called: Neoplastic Syndromes, Hereditary; Hereditary neoplastic syndrome; Hereditary Cancer Syndrome; Tumor predisposition. Identifiers: Orphanet 140162, MedGen C0027672, MeSH D009386, MONDO:0015356.
Neuroblastoma, susceptibility to, 3. Also called: ALK-Related Neuroblastic Tumor Susceptibility. Identifiers: Orphanet 635, MedGen C2751681, MONDO:0013083, OMIM 613014.

Allele frequency attached by ClinVar (database versions not stated): gnomAD 0.00001; ExAC 0.00002; gnomAD exomes 0.00002 and 0.00004; TOPMed 0.00003.
gnomAD v4.1: 57 of 1,614,154 alleles (0.0035%); highest among the groups gnomAD compares: Non-Finnish European, 0.0044%; no homozygotes.

Submissions (4):

Labcorp Genetics (formerly Invitae), Labcorp
Classification: Uncertain significance for Neuroblastoma, susceptibility to, 3. Last evaluated: 2026-01-28. Review status: criteria provided, single submitter. Criteria: Invitae Variant Classification Sherloc (09022015). Collection method: clinical testing. Allele origin: germline.
Comment: This sequence change replaces proline, which is neutral and non-polar, with serine, which is neutral and polar, at codon 835 of the ALK protein (p.Pro835Ser). This variant is present in population databases (rs763771560, gnomAD 0.004%). This variant has not been reported in the literature in individuals affected with ALK-related conditions. ClinVar contains an entry for this variant (Variation ID: 653727). An algorithm developed to predict the effect of missense changes on protein structure and function (PolyPhen-2) suggests that this variant is likely to be disruptive. In summary, the available evidence is currently insufficient to determine the role of this variant in disease. Therefore, it has been classified as a Variant of Uncertain Significance.

Ambry Genetics
Classification: Likely benign for Hereditary cancer-predisposing syndrome. Last evaluated: 2024-12-11. Review status: criteria provided, single submitter. Criteria: Ambry Variant Classification Scheme 2023. Collection method: clinical testing. Allele origin: germline.

Baylor Genetics
Classification: Uncertain significance for Neuroblastoma, susceptibility to, 3. Last evaluated: 2024-02-05. Review status: criteria provided, single submitter. Criteria: ACMG Guidelines, 2015. Collection method: clinical testing. Allele origin: unknown.

GeneDx
Classification: Uncertain significance. Last evaluated: 2023-09-14. Review status: criteria provided, single submitter. Criteria: GeneDx Variant Classification Process June 2021. Collection method: clinical testing. Allele origin: germline. Affected: yes.
Comment: Not observed at significant frequency in large population cohorts (gnomAD); In silico analysis supports that this missense variant has a deleterious effect on protein structure/function; Has not been previously published as pathogenic or benign to our knowledge

NM_004304.5(ALK):c.2503C>T (p.Pro835Ser)

Gene: ALK (ALK receptor tyrosine kinase; minus strand). Cytogenetic location: 2p23.2.
Variant type: single nucleotide variant.
Coding change: c.2503C>T on transcript NM_004304.5 (MANE Select); coding-DNA position 2503, C replaced by T.
Protein change: p.Pro835Ser; replaces proline 835 with serine.
Molecular consequence: missense variant.
Genome position (GRCh38, 1-based): chr2:29,232,433, G>A on the plus strand (C>T on the coding strand, the complement: ALK is on the minus strand). VCF-style: chr2-29232433-G-A. GRCh37 (hg19) VCF-style: chr2-29455299-G-A.
Other names: short protein forms P835S.
Identifiers: ClinVar variation 653727 (VCV000653727.15), dbSNP rs763771560, ClinGen allele CA1594281.